The following is an entry in ClinVar:

NM_138420.4(AHNAK2):c.8496C>T (p.Ile2832=)

Gene: AHNAK2 (AHNAK nucleoprotein 2; minus strand). Cytogenetic location: 14q32.33.
Variant type: single nucleotide variant.
Coding change: c.8496C>T on transcript NM_138420.4 (MANE Select); coding-DNA position 8496, C replaced by T.
Protein change: p.Ile2832=; no amino-acid change (isoleucine 2832 retained).
Molecular consequence: synonymous variant.
Genome position (GRCh38, 1-based): chr14:104,946,955, G>A on the plus strand (C>T on the coding strand, the complement: AHNAK2 is on the minus strand). VCF-style: chr14-104946955-G-A. GRCh37 (hg19) VCF-style: chr14-105413292-G-A.
Other names: c.8196C>T, p.Ile2732= (NM_001350929.2).
Identifiers: ClinVar variation 2644701 (VCV002644701.24), dbSNP rs368673190, ClinGen allele CA7380062.

ClinVar aggregate classification (germline): Likely benign (1 of 4 stars; one submission).

Allele frequency attached by ClinVar (database versions not stated): ESP Exome Variant Server 0.00016.
gnomAD v4.1: 591 of 1,611,162 alleles (0.037%); highest among the groups gnomAD compares: Middle Eastern, 0.63%; 6 homozygotes.

Submission:

CeGaT Center for Human Genetics Tuebingen
Classification: Likely benign. Last evaluated: 2023-01-01. Review status: criteria provided, single submitter. Criteria: CeGaT Center For Human Genetics Tuebingen Variant Classification Criteria Version 2. Collection method: clinical testing. Allele origin: germline. Affected: yes. Observed: 2 variant alleles.
Comment: AHNAK2: BP4, BP7